The following is an entry in ClinVar:

ClinVar aggregate classification (germline): Likely pathogenic (1 of 4 stars; one submission).

Conditions:
Autosomal recessive limb-girdle muscular dystrophy. Identifiers: Orphanet 102015, MedGen C2931907, MONDO:0015152.

Submission:

Myriad Genetics, Inc.
Classification: Likely pathogenic for Autosomal recessive limb-girdle muscular dystrophy. Last evaluated: 2019-05-19. Review status: criteria provided, single submitter. Criteria: Myriad Autosomal Dominant, Autosomal Recessive and X-Linked Classification Criteria (2023). Collection method: clinical testing. Allele origin: unknown.
Comment: NM_003494.3(DYSF):c.5500A>T(K1834*) is expected to be pathogenic in the context of dysferlinopathy. This variant is predicted to lead to an abnormal or absent protein product due to the creation of a premature termination codon in DYSF, a gene where loss-of-function variants are known to be pathogenic. Please note: this variant was assessed in the context of healthy population screening.

NM_001130987.2(DYSF):c.5617A>T (p.Lys1873Ter)

Gene: DYSF (dysferlin; plus strand). Cytogenetic location: 2p13.2.
Variant type: single nucleotide variant.
Coding change: c.5617A>T on transcript NM_001130987.2 (MANE Select); coding-DNA position 5617, A replaced by T.
Protein change: p.Lys1873Ter; replaces lysine 1873 with a stop codon.
Molecular consequence: nonsense.
Genome position (GRCh38, 1-based): chr2:71,669,182, A>T. VCF-style: chr2-71669182-A-T. GRCh37 (hg19) VCF-style: chr2-71896312-A-T.
Other names: c.5563A>T, p.Lys1855Ter (NM_001130978.2); c.5593A>T, p.Lys1865Ter (NM_001130979.2); c.5551A>T, p.Lys1851Ter (NM_001130980.2); c.5614A>T, p.Lys1872Ter (NM_001130981.2); c.5596A>T, p.Lys1866Ter (NM_001130982.2); c.5566A>T, p.Lys1856Ter (NM_001130983.2); c.5524A>T, p.Lys1842Ter (NM_001130984.2); c.5554A>T, p.Lys1852Ter (NM_001130985.2); and 5 more; short protein forms K1820*, K1821*, K1834*, K1835*, K1841*, K1842*, K1851*, K1852*.
Identifiers: ClinVar variation 984249 (VCV000984249.4), dbSNP rs2095073059, ClinGen allele CA347223021.